The following is an entry in ClinVar:

ClinVar aggregate classification (germline): Uncertain significance (1 of 4 stars; one submission).

Conditions:
Neurodevelopmental disorder with hypotonia, stereotypic hand movements, and impaired language. Also called: Intellectual disability, autosomal dominant 20. Identifiers: Orphanet 228384, Orphanet 664410, MedGen C3150700, MONDO:0013266, OMIM 613443.

Submission:

Labcorp Genetics (formerly Invitae), Labcorp
Classification: Uncertain significance for Neurodevelopmental disorder with hypotonia, stereotypic hand movements, and impaired language. Last evaluated: 2023-01-06. Review status: criteria provided, single submitter. Criteria: Invitae Variant Classification Sherloc (09022015). Collection method: clinical testing. Allele origin: germline.
Comment: This sequence change falls in intron 3 of the MEF2C gene. It does not directly change the encoded amino acid sequence of the MEF2C protein. This variant is present in population databases (no rsID available, gnomAD 0.007%). This variant has not been reported in the literature in individuals affected with MEF2C-related conditions. Algorithms developed to predict the effect of sequence changes on RNA splicing suggest that this variant may create or strengthen a splice site. In summary, the available evidence is currently insufficient to determine the role of this variant in disease. Therefore, it has been classified as a Variant of Uncertain Significance.

NM_002397.5(MEF2C):c.258+20G>A

Gene: MEF2C (myocyte enhancer factor 2C; minus strand). Cytogenetic location: 5q14.3.
Variant type: single nucleotide variant.
Coding change: c.258+20G>A on transcript NM_002397.5 (MANE Select); 20 bases into the intron after coding-DNA position 258, G replaced by A.
Molecular consequence: intron variant.
Genome position (GRCh38, 1-based): chr5:88,804,578, C>T on the plus strand (G>A on the coding strand, the complement: MEF2C is on the minus strand). VCF-style: chr5-88804578-C-T. GRCh37 (hg19) VCF-style: chr5-88100395-C-T.
Other names: c.258+20G>A (NM_001193347.1, NM_001364334.2, NM_001364345.2 and 29 more transcripts).
Identifiers: ClinVar variation 2881173 (VCV002881173.3), dbSNP rs1406817508, ClinGen allele CA561261237.
Genomic context (GRCh38, chr5:88,804,578, plus strand): 5'-TGTGTATGTGTGTGTGGCAGGGGGAGGTCCAAACTCCCCTGCTTGCGGAGGCTTGGGGCT[C>T]ACCACGCATGCTCTCTCACCTCCACGATGTCTGAGTTTGTCCGGCTCTCATGCGGCTCGT-3'